The following is an entry in ClinVar:

ClinVar aggregate classification (germline): Uncertain significance (1 of 4 stars; one submission).

Conditions:
Inborn genetic diseases. Identifiers: MedGen C0950123, MeSH D030342.

Allele frequency attached by ClinVar (database versions not stated): ESP Exome Variant Server 0.00008; gnomAD exomes 0.00009 and 0.00025; gnomAD 0.00012; ExAC 0.00014; TOPMed 0.00016.
gnomAD v4.1: 142 of 1,423,298 alleles (0.01%); highest among the groups gnomAD compares: Non-Finnish European, 0.0013%; no homozygotes.

Submission:

Ambry Genetics
Classification: Uncertain significance for Inborn genetic diseases. Last evaluated: 2016-05-31. Review status: criteria provided, single submitter. Criteria: Ambry Variant Classification Scheme 2023. Collection method: clinical testing. Allele origin: germline.
Comment: The c.-4T>C variant is located in the 5' untranslated region (5&rsquo; UTR) of the SZT2 gene. This variant results from a T to C substitution 4 bases upstream from the first translated codon. Based on data from the NHLBI Exome Sequencing Project (ESP), the C allele has an overall frequency of approximately 0.01% (1/12392) total alleles studied and 0.01% (1/8210) European American alleles. This nucleotide position is highly conserved in available vertebrate species. Using the BDGP and ESEfinder splice site prediction tools, this alteration is not predicted to have any significant effect on this splice acceptor site; however, direct evidence is unavailable. Since supporting evidence is limited at this time, the clinical significance of this alteration remains unclear.

NM_001365999.1(SZT2):c.-4T>C

Genes: SZT2 (SZT2 subunit of KICSTOR complex; plus strand), LOC129930379 (ATAC-STARR-seq lymphoblastoid silent region 783; plus strand). Cytogenetic location: 1p34.2.
Variant type: single nucleotide variant.
Coding change: c.-4T>C on transcript NM_001365999.1 (MANE Select); 4 bases upstream of the start codon, T replaced by C.
Molecular consequence: 5 prime UTR variant.
Genome position (GRCh38, 1-based): chr1:43,389,965, T>C. VCF-style: chr1-43389965-T-C. GRCh37 (hg19) VCF-style: chr1-43855636-T-C.
Other names: c.-4T>C (NM_015284.4).
Identifiers: ClinVar variation 589842 (VCV000589842.5), dbSNP rs376440375, ClinGen allele CA808043.